The following is an entry in ClinVar:

NM_001085487.3(MYSM1):c.724A>G (p.Ser242Gly)

Gene: MYSM1 (Myb like, SWIRM and MPN domains 1; minus strand). Cytogenetic location: 1p32.1.
Variant type: single nucleotide variant.
Coding change: c.724A>G on transcript NM_001085487.3 (MANE Select); coding-DNA position 724, A replaced by G.
Protein change: p.Ser242Gly; replaces serine 242 with glycine.
Molecular consequence: missense variant.
Genome position (GRCh38, 1-based): chr1:58,682,320, T>C on the plus strand (A>G on the coding strand, the complement: MYSM1 is on the minus strand). VCF-style: chr1-58682320-T-C. GRCh37 (hg19) VCF-style: chr1-59147992-T-C.
Other names: short protein forms S242G.
Identifiers: ClinVar variation 1901713 (VCV001901713.5), dbSNP rs1266285839, ClinGen allele CA340528588.

ClinVar aggregate classification (germline): Uncertain significance (1 of 4 stars; one submission).

Allele frequency attached by ClinVar (database versions not stated): gnomAD 0.00001; TOPMed 0.00001; gnomAD exomes 0.00004.
gnomAD v4.1: 59 of 1,613,688 alleles (0.0037%); highest among the groups gnomAD compares: Non-Finnish European, 0.0049%; no homozygotes.

Submission:

Labcorp Genetics (formerly Invitae), Labcorp
Classification: Uncertain significance. Last evaluated: 2024-08-14. Review status: criteria provided, single submitter. Criteria: Invitae Variant Classification Sherloc (09022015). Collection method: clinical testing. Allele origin: germline.
Comment: This sequence change replaces serine, which is neutral and polar, with glycine, which is neutral and non-polar, at codon 242 of the MYSM1 protein (p.Ser242Gly). This variant is present in population databases (no rsID available, gnomAD 0.0009%). This variant has not been reported in the literature in individuals affected with MYSM1-related conditions. ClinVar contains an entry for this variant (Variation ID: 1901713). Invitae Evidence Modeling of protein sequence and biophysical properties (such as structural, functional, and spatial information, amino acid conservation, physicochemical variation, residue mobility, and thermodynamic stability) indicates that this missense variant is not expected to disrupt MYSM1 protein function with a negative predictive value of 80%. In summary, the available evidence is currently insufficient to determine the role of this variant in disease. Therefore, it has been classified as a Variant of Uncertain Significance.